The following is an entry in ClinVar:

ClinVar aggregate classification (germline): Uncertain significance (1 of 4 stars; one submission).

Conditions:
DICER1-related tumor predisposition. Also called: DICER1-related pleuropulmonary blastoma cancer predisposition syndrome; DICER1 syndrome. Identifiers: Orphanet 284343, MedGen C3839822, MONDO:0100216.

Submission:

Labcorp Genetics (formerly Invitae), Labcorp
Classification: Uncertain significance for DICER1-related tumor predisposition. Last evaluated: 2025-12-14. Review status: criteria provided, single submitter. Criteria: Invitae Variant Classification Sherloc (09022015). Collection method: clinical testing. Allele origin: germline.
Comment: This sequence change replaces tyrosine, which is neutral and polar, with phenylalanine, which is neutral and non-polar, at codon 1721 of the DICER1 protein (p.Tyr1721Phe). This variant is not present in population databases (gnomAD no frequency). This variant has not been reported in the literature in individuals affected with DICER1-related conditions. Invitae Evidence Modeling of protein sequence and biophysical properties (such as structural, functional, and spatial information, amino acid conservation, physicochemical variation, residue mobility, and thermodynamic stability) indicates that this missense variant is not expected to disrupt DICER1 protein function with a negative predictive value of 95%. In summary, the available evidence is currently insufficient to determine the role of this variant in disease. Therefore, it has been classified as a Variant of Uncertain Significance.

NM_177438.3(DICER1):c.5162A>T (p.Tyr1721Phe)

Gene: DICER1 (dicer 1, ribonuclease III; minus strand). Cytogenetic location: 14q32.13.
Variant type: single nucleotide variant.
Coding change: c.5162A>T on transcript NM_177438.3 (MANE Select); coding-DNA position 5162, A replaced by T.
Protein change: p.Tyr1721Phe; replaces tyrosine 1721 with phenylalanine.
Molecular consequence: missense variant. On other transcripts: non-coding transcript variant (6).
Genome position (GRCh38, 1-based): chr14:95,094,090, T>A on the plus strand (A>T on the coding strand, the complement: DICER1 is on the minus strand). VCF-style: chr14-95094090-T-A. GRCh37 (hg19) VCF-style: chr14-95560427-T-A.
Other names: c.5162A>T, p.Tyr1721Phe (NM_001195573.1, NM_001271282.3, NM_001291628.2 and 8 more transcripts); c.4880A>T, p.Tyr1627Phe (NM_001395686.1); c.4757A>T, p.Tyr1586Phe (NM_001395687.1, NM_001395688.1, NM_001395689.1 and 1 more transcripts); c.4595A>T, p.Tyr1532Phe (NM_001395691.1); c.3479A>T, p.Tyr1160Phe (NM_001395697.1); short protein forms Y1532F, Y1721F, Y1160F, Y1586F, Y1627F.
Identifiers: ClinVar variation 4746836 (VCV004746836.1).
Genomic context (GRCh38, chr14:95,094,090, plus strand): 5'-TTGACCAGGGCAGACCGCAGGTCTGTCAGGACCCCCGGGGAGTGCTGCCGCGGGTCTTCA[T>A]AAAGGTGCTTGGTTATGAGGTAGTCCAAAATCGCATCTCCCAGGAATTCTAAGCGCTGGT-3'
Protein context (NP_803187.1, residues 1711-1731): ILDYLITKHL[Tyr1721Phe]EDPRQHSPGV